The following is an entry in ClinVar:

ClinVar aggregate classification (germline): Uncertain significance (1 of 4 stars; one submission).

Allele frequency attached by ClinVar (database versions not stated): TOPMed below 0.00001.

Submission:

GeneDx
Classification: Uncertain significance. Last evaluated: 2024-12-18. Review status: criteria provided, single submitter. Criteria: GeneDx Variant Classification Process June 2021. Collection method: clinical testing. Allele origin: germline. Affected: yes.
Comment: Not observed at significant frequency in large population cohorts (gnomAD); In silico analysis indicates that this missense variant does not alter protein structure/function; Has not been previously published as pathogenic or benign to our knowledge

NM_020987.5(ANK3):c.12098C>T (p.Ser4033Leu)

Gene: ANK3 (ankyrin 3; minus strand). Cytogenetic location: 10q21.2.
Variant type: single nucleotide variant.
Coding change: c.12098C>T on transcript NM_020987.5 (MANE Select); coding-DNA position 12098, C replaced by T.
Protein change: p.Ser4033Leu; replaces serine 4033 with leucine.
Molecular consequence: missense variant. On other transcripts: intron variant (4).
Genome position (GRCh38, 1-based): chr10:60,068,783, G>A on the plus strand (C>T on the coding strand, the complement: ANK3 is on the minus strand). VCF-style: chr10-60068783-G-A. GRCh37 (hg19) VCF-style: chr10-61828541-G-A.
Other names: c.4388-774C>T (NM_001204403.2); c.4409-774C>T (NM_001204404.2); c.4406-774C>T (NM_001320874.2); c.1808-774C>T (NM_001149.4); short protein forms S4033L.
Identifiers: ClinVar variation 389087 (VCV000389087.3), dbSNP rs1057523322, ClinGen allele CA16605646.